The following is an entry in ClinVar:

NM_013266.4(CTNNA3):c.1015C>T (p.Leu339Phe)

Gene: CTNNA3 (catenin alpha 3; minus strand). Cytogenetic location: 10q21.3.
Variant type: single nucleotide variant.
Coding change: c.1015C>T on transcript NM_013266.4 (MANE Select); coding-DNA position 1015, C replaced by T.
Protein change: p.Leu339Phe; replaces leucine 339 with phenylalanine.
Molecular consequence: missense variant.
Genome position (GRCh38, 1-based): chr10:67,180,349, G>A on the plus strand (C>T on the coding strand, the complement: CTNNA3 is on the minus strand). VCF-style: chr10-67180349-G-A. GRCh37 (hg19) VCF-style: chr10-68940107-G-A.
Other names: c.1015C>T, p.Leu339Phe (NM_001127384.3); c.1051C>T, p.Leu351Phe (NM_001291133.2); short protein forms L339F, L351F.
Identifiers: ClinVar variation 1742143 (VCV001742143.2), dbSNP rs2547990124, ClinGen allele CA377096781.
Genomic context (GRCh38, chr10:67,180,349, plus strand): 5'-GGGATGGGAAGGCAAACCAGTCACCTACGTTGTTCATGTACTCTGAAAGCAGATCCTGAA[G>A]AGCCTGGCGAATGGCGTTGCATTCTGCGATAATCCGCTCTCGGTGTAAGTCCCTCGTACA-3'
Protein context (NP_037398.2, residues 329-349): IAECNAIRQA[Leu339Phe]QDLLSEYMNN

ClinVar aggregate classification (germline): Uncertain significance (1 of 4 stars; one submission).

gnomAD v4.1: 1 of 1,613,658 alleles (0.000062%); highest among the groups gnomAD compares: Non-Finnish European, 0.000085%; no homozygotes.

Submission:

Ambry Genetics
Classification: Uncertain significance. Last evaluated: 2022-06-22. Review status: criteria provided, single submitter. Criteria: Ambry Variant Classification Scheme 2023. Collection method: clinical testing. Allele origin: germline.
Comment: The p.L339F variant (also known as c.1015C>T), located in coding exon 6 of the CTNNA3 gene, results from a C to T substitution at nucleotide position 1015. The leucine at codon 339 is replaced by phenylalanine, an amino acid with highly similar properties. This amino acid position is conserved. In addition, the in silico prediction for this alteration is inconclusive. Since supporting evidence is limited at this time, the clinical significance of this alteration remains unclear.